The following is an entry in ClinVar:

ClinVar aggregate classification (germline): Pathogenic/Likely pathogenic. Review status: criteria provided, multiple submitters, no conflicts (2 of 4 stars). 2 submissions from 2 submitters: Pathogenic (1); Likely pathogenic (1). Last evaluated 2023-12-02.

Conditions:
Granulomatous disease, chronic, autosomal recessive, cytochrome b-positive, type 2. Also called: CGD, AUTOSOMAL RECESSIVE CYTOCHROME b-POSITIVE, TYPE II; GRANULOMATOUS DISEASE, CHRONIC, DUE TO NCF2 DEFICIENCY; Chronic granulomatous disease due to deficiency of NCF-2; Chronic Granulomatous Disease, Autosomal Recessive, Cytochrome b-Positive, Type II; GRANULOMATOUS DISEASE, CHRONIC, AUTOSOMAL RECESSIVE, 2. Identifiers: Orphanet 379, MedGen C1856245, MONDO:0009310, OMIM 233710.
Chronic granulomatous disease. Identifiers: Orphanet 379, MedGen C0018203, MONDO:0018305.

Submissions (2):

Labcorp Genetics (formerly Invitae), Labcorp
Classification: Pathogenic for Granulomatous disease, chronic, autosomal recessive, cytochrome b-positive, type 2. Last evaluated: 2023-12-02. Review status: criteria provided, single submitter. Criteria: Invitae Variant Classification Sherloc (09022015). Collection method: clinical testing. Allele origin: germline.
Comment: This sequence change creates a premature translational stop signal (p.Ala140Leufs*5) in the NCF2 gene. It is expected to result in an absent or disrupted protein product. Loss-of-function variants in NCF2 are known to be pathogenic (PMID: 10498624, 20167518). This variant is not present in population databases (gnomAD no frequency). This variant has not been reported in the literature in individuals affected with NCF2-related conditions. ClinVar contains an entry for this variant (Variation ID: 2445914). For these reasons, this variant has been classified as Pathogenic.

Women's Health and Genetics/Laboratory Corporation of America, LabCorp
Classification: Likely pathogenic for Chronic granulomatous disease. Last evaluated: 2023-02-20. Review status: criteria provided, single submitter. Criteria: LabCorp Variant Classification Summary - May 2015. Collection method: clinical testing. Allele origin: germline.
Comment: Variant summary: NCF2 c.417delA (p.Ala140LeufsX5) results in a premature termination codon, predicted to cause a truncation of the encoded protein or absence of the protein due to nonsense mediated decay, which are commonly known mechanisms for disease. Truncations downstream of this position are reported in affected individuals (HGMD). The variant was absent in 251454 control chromosomes (gnomAD). To our knowledge, no occurrence of c.417delA in individuals affected with Chronic Granulomatous Disease and no experimental evidence demonstrating its impact on protein function have been reported. No submitters have provided clinical-significance assessments for this variant to ClinVar after 2014. Based on the evidence outlined above, the variant was classified as likely pathogenic.

Literature cited by the submitters: PubMed 10498624 (cited by Labcorp Genetics (formerly Invitae), Labcorp); PubMed 20167518 (cited by Labcorp Genetics (formerly Invitae), Labcorp).

NM_000433.4(NCF2):c.417del (p.Ala140fs)

Gene: NCF2 (neutrophil cytosolic factor 2; minus strand). Cytogenetic location: 1q25.3.
Variant type: Deletion.
Coding change: c.417del on transcript NM_000433.4 (MANE Select); coding-DNA position 417, one base deleted (A; older notation c.417delA).
Protein change: p.Ala140fs; shifts the reading frame from alanine 140.
Molecular consequence: frameshift variant. On other transcripts: intron variant (2).
Genome position (GRCh38, 1-based): chr1:183,574,571, T deleted on the plus strand (A on the coding strand, the reverse complement: NCF2 is on the minus strand); the first of 6 consecutive T bases (chr1:183,574,571-183,574,576); deleting any one gives the same sequence. VCF-style (leftmost placement, unchanged base first): chr1-183574570-CT-C. GRCh37 (hg19) VCF-style: chr1-183543705-CT-C.
Other names: c.412delA, p.Ala140Leufs (NM_000433.3, NM_001410895.1); c.417del, p.Ala140fs (NM_001127651.3); c.366+3028del (NM_001190789.2); c.367-1279del (NM_001190794.2); c.417delA (NM_000433.3); short protein forms A140fs.
Identifiers: ClinVar variation 2445914 (VCV002445914.5), dbSNP rs2527964515, ClinGen allele CA2580061710.
Genomic context (GRCh38, chr1:183,574,570, plus strand): 5'-CGATTTTGGAATGTCTGGGCTCAGACTTCATGCTCGTGGCCAATGCTAACTGTTCTTCAG[CT>C]TTTTTCCATTCCTCCTTCTTGGCATACATGAAAGCAATGTTATATAACACCTAGAAAAGT-3'